The following is an entry in ClinVar:

ClinVar aggregate classification (germline): Conflicting classifications of pathogenicity. Review status: criteria provided, conflicting classifications (1 of 4 stars). 5 submissions from 5 submitters: Likely pathogenic (1); Uncertain significance (4). Last evaluated 2026-03-24.

Conditions:
Retinitis pigmentosa (RP). Identifiers: Orphanet 791, MedGen C0035334, MeSH D012174, MONDO:0019200, OMIM 268000. Inheritance: Autosomal dominant, autosomal recessive and X linked inheritance.
EYS-related disorder. Also called: EYS-related condition.
Retinal dystrophy. Also called: Inherited retinal dystrophy. Identifiers: Orphanet 71862, MedGen C0854723, MeSH D058499, MONDO:0019118, HP:0000556.

Allele frequency attached by ClinVar (database versions not stated): gnomAD exomes below 0.00001; gnomAD 0.00001; TOPMed 0.00001.
gnomAD v4.1: 3 of 1,549,312 alleles (0.00019%); highest among the groups gnomAD compares: Non-Finnish European, 0.00026%; no homozygotes.

Submissions (5):

PreventionGenetics, part of Exact Sciences
Classification: Uncertain significance for EYS-related condition. Last evaluated: 2026-03-24. Review status: criteria provided, single submitter. Criteria: ACMG Guidelines, 2015. Collection method: clinical testing. Allele origin: germline.
Comment: The EYS c.6920G>A variant is predicted to result in the amino acid substitution p.Gly2307Asp. This variant was reported in an apparently homozygous state in an individual with retinitis pigmentosa (Table S4, Panneman et al. 2023. PubMed ID: 36819107). This variant has not been reported in a large population database (gnomAD), indicating this variant is rare. At this time, the clinical significance of this variant is uncertain due to the absence of conclusive functional and genetic evidence.

Blueprint Genetics
Classification: Likely pathogenic for EYS-related disorders. Last evaluated: 2024-11-25. Review status: criteria provided, single submitter. Criteria: ACMG Guidelines, 2015. Collection method: clinical testing. Allele origin: germline. Affected: yes. Observed: 5 variant alleles.

Lab De Baere, Eye and Developmental Genetics Lab, Ghent University
Classification: Uncertain significance for Retinitis pigmentosa. Last evaluated: 2024-10-01. Review status: criteria provided, single submitter. Criteria: ACMG Guidelines, 2015. Collection method: research. Allele origin: inherited. Affected: yes. Observed: 1 variant allele.
Comment: ACMG/AMP guidelines: PM2, PP4_PP, PP3, PM3_PP

Institute of Human Genetics, Univ. Regensburg, Univ. Regensburg
Classification: Uncertain significance for Retinal dystrophy. Last evaluated: 2023-01-01. Review status: criteria provided, single submitter. Criteria: ACMG Guidelines, 2015. Collection method: clinical testing. Allele origin: germline. Affected: yes.

Labcorp Genetics (formerly Invitae), Labcorp
Classification: Uncertain significance. Last evaluated: 2022-07-23. Review status: criteria provided, single submitter. Criteria: Invitae Variant Classification Sherloc (09022015). Collection method: clinical testing. Allele origin: germline.
Comment: This sequence change replaces glycine, which is neutral and non-polar, with aspartic acid, which is acidic and polar, at codon 2307 of the EYS protein (p.Gly2307Asp). This variant is not present in population databases (gnomAD no frequency). This variant has not been reported in the literature in individuals affected with EYS-related conditions. ClinVar contains an entry for this variant (Variation ID: 1414217). Algorithms developed to predict the effect of missense changes on protein structure and function output the following: SIFT: "Deleterious"; PolyPhen-2: "Probably Damaging"; Align-GVGD: "Class C65". The aspartic acid amino acid residue is found in multiple mammalian species, which suggests that this missense change does not adversely affect protein function. In summary, the available evidence is currently insufficient to determine the role of this variant in disease. Therefore, it has been classified as a Variant of Uncertain Significance.

Literature cited by the submitters: PubMed 36819107 (cited by Institute of Human Genetics, Univ. Regensburg, Univ. Regensburg).

NM_001142800.2(EYS):c.6920G>A (p.Gly2307Asp)

Gene: EYS (EGF-like photoreceptor maintenance factor; minus strand). Cytogenetic location: 6q12.
Variant type: single nucleotide variant.
Coding change: c.6920G>A on transcript NM_001142800.2 (MANE Select); coding-DNA position 6920, G replaced by A.
Protein change: p.Gly2307Asp; replaces glycine 2307 with aspartic acid.
Molecular consequence: missense variant.
Genome position (GRCh38, 1-based): chr6:63,984,518, C>T on the plus strand (G>A on the coding strand, the complement: EYS is on the minus strand). VCF-style: chr6-63984518-C-T. GRCh37 (hg19) VCF-style: chr6-64694411-C-T.
Other names: c.6920G>A, p.Gly2307Asp (NM_001292009.2); c.6920G>A (NM_001142800.1); short protein forms G2307D.
Identifiers: ClinVar variation 1414217 (VCV001414217.7), dbSNP rs1171456122, ClinGen allele CA364388779.